The following is an entry in ClinVar:

ClinVar aggregate classification (germline): Uncertain significance. Review status: criteria provided, multiple submitters, no conflicts (2 of 4 stars). 2 submissions from 2 submitters: Uncertain significance (2). Last evaluated 2025-05-16.

Conditions:
Inborn genetic diseases. Identifiers: MedGen C0950123, MeSH D030342.

Allele frequency attached by ClinVar (database versions not stated): ESP Exome Variant Server 0.00023; ExAC 0.00008; gnomAD 0.00016 and 0.00015; gnomAD exomes 0.00020 and 0.00007; TOPMed 0.00014.
gnomAD v4.1: 300 of 1,540,204 alleles (0.019%); highest among the groups gnomAD compares: Non-Finnish European, 0.025%; no homozygotes.

Submissions (2):

Ambry Genetics
Classification: Uncertain significance for Inborn genetic diseases. Last evaluated: 2025-05-16. Review status: criteria provided, single submitter. Criteria: Ambry Variant Classification Scheme 2023. Collection method: clinical testing. Allele origin: germline.

Labcorp Genetics (formerly Invitae), Labcorp
Classification: Uncertain significance. Last evaluated: 2022-10-13. Review status: criteria provided, single submitter. Criteria: Invitae Variant Classification Sherloc (09022015). Collection method: clinical testing. Allele origin: germline.
Comment: This sequence change replaces glutamic acid, which is acidic and polar, with glutamine, which is neutral and polar, at codon 942 of the PLK4 protein (p.Glu942Gln). This variant is present in population databases (rs141018112, gnomAD 0.03%). This variant has not been reported in the literature in individuals affected with PLK4-related conditions. ClinVar contains an entry for this variant (Variation ID: 964876). Algorithms developed to predict the effect of missense changes on protein structure and function are either unavailable or do not agree on the potential impact of this missense change (SIFT: "Tolerated"; PolyPhen-2: "Probably Damaging"; Align-GVGD: "Class C0"). In summary, the available evidence is currently insufficient to determine the role of this variant in disease. Therefore, it has been classified as a Variant of Uncertain Significance.

NM_014264.5(PLK4):c.2824G>C (p.Glu942Gln)

Gene: PLK4 (polo like kinase 4; plus strand). Cytogenetic location: 4q28.1.
Variant type: single nucleotide variant.
Coding change: c.2824G>C on transcript NM_014264.5 (MANE Select); coding-DNA position 2824, G replaced by C.
Protein change: p.Glu942Gln; replaces glutamic acid 942 with glutamine.
Molecular consequence: missense variant.
Genome position (GRCh38, 1-based): chr4:127,898,452, G>C. VCF-style: chr4-127898452-G-C. GRCh37 (hg19) VCF-style: chr4-128819607-G-C.
Other names: c.2728G>C, p.Glu910Gln (NM_001190799.2); c.2701G>C, p.Glu901Gln (NM_001190801.2); short protein forms E910Q, E901Q, E942Q.
Identifiers: ClinVar variation 964876 (VCV000964876.5), dbSNP rs141018112, ClinGen allele CA3077186.
Genomic context (GRCh38, chr4:127,898,452, plus strand): 5'-AAGTAATTCAGTTACGATTTTGTCTTTTTTTCTTTTGCTTCACTTAGGTATGGAGAAAAT[G>C]AAAAATTACCAGACTACATCAAACAGAAATTACAGTGTCTGTCTTCCATCCTTTTGATGT-3'
Protein context (NP_055079.3, residues 932-952): NGQTTRYGEN[Glu942Gln]KLPDYIKQKL